The following is an entry in ClinVar:

NM_000277.3(PAH):c.1125A>C (p.Gln375His)

Gene: PAH (phenylalanine hydroxylase; minus strand). Cytogenetic location: 12q23.2.
Variant type: single nucleotide variant.
Coding change: c.1125A>C on transcript NM_000277.3 (MANE Select); coding-DNA position 1125, A replaced by C.
Protein change: p.Gln375His; replaces glutamine 375 with histidine.
Molecular consequence: missense variant.
Genome position (GRCh38, 1-based): chr12:102,843,720, T>G on the plus strand (A>C on the coding strand, the complement: PAH is on the minus strand). VCF-style: chr12-102843720-T-G. GRCh37 (hg19) VCF-style: chr12-103237498-T-G.
Other names: c.1125A>C, p.Gln375His (NM_001354304.2); short protein forms Q375H.
Identifiers: ClinVar variation 3629750 (VCV003629750.1).

ClinVar aggregate classification (germline): Likely pathogenic (1 of 4 stars; one submission).

Conditions:
Phenylketonuria (PKU). Also called: FOLLING DISEASE; OLIGOPHRENIA PHENYLPYRUVICA; Phenylketonurias; Phenylketonuria (PKU). Identifiers: Orphanet 716, MedGen C0031485, MONDO:0009861, OMIM 261600. Disease mechanism: loss of function.

Submission:

Women's Health and Genetics/Laboratory Corporation of America, LabCorp
Classification: Likely pathogenic for Phenylketonuria. Last evaluated: 2024-11-08. Review status: criteria provided, single submitter. Criteria: LabCorp Variant Classification Summary - May 2015. Collection method: clinical testing. Allele origin: germline.
Comment: Variant summary: PAH c.1125A>C (p.Gln375His) results in a non-conservative amino acid change located in the Aromatic aminoacid monoxygenases, catalytic and oligomerization domain (IPR036329) of the encoded protein sequence. Five of five in-silico tools predict a damaging effect of the variant on protein function. The variant was absent in 251286 control chromosomes. c.1125A>C has been reported in the presumed compound heterozygous state in the literature in multiple individuals affected with Phenylalanine Hydroxylase Deficiency (Phenylketonuria) (example, Zhang_2019, Wang_2018, Hillert_2020, Li_2018). These data indicate that the variant is likely to be associated with disease. At least one publication reports experimental evidence evaluating an impact on protein function. The most pronounced variant effect results in >50%-90% of normal activity in vitro, with normal protein expression (example, Zhang_2019). The following publications have been ascertained in the context of this evaluation (PMID: 32668217, 30050108, 29499199, 31102715). No submitters have cited clinical-significance assessments for this variant to ClinVar. Based on the evidence outlined above, the variant was classified as likely pathogenic.

Literature cited by the submitters: PubMed 29499199; PubMed 30050108; PubMed 32668217; PubMed 31102715.